The following is an entry in ClinVar:

NM_004168.4(SDHA):c.1093T>C (p.Tyr365His)

Gene: SDHA (succinate dehydrogenase complex flavoprotein subunit A; plus strand). Cytogenetic location: 5p15.33.
Variant type: single nucleotide variant.
Coding change: c.1093T>C on transcript NM_004168.4 (MANE Select); coding-DNA position 1093, T replaced by C.
Protein change: p.Tyr365His; replaces tyrosine 365 with histidine.
Molecular consequence: missense variant.
Genome position (GRCh38, 1-based): chr5:235,172, T>C. VCF-style: chr5-235172-T-C. GRCh37 (hg19) VCF-style: chr5-235287-T-C.
Other names: c.949T>C, p.Tyr317His (NM_001294332.2); c.1093T>C, p.Tyr365His (NM_001330758.2); short protein forms Y317H, Y365H.
Identifiers: ClinVar variation 4825107 (VCV004825107.1).

ClinVar aggregate classification (germline): Uncertain significance (1 of 4 stars; one submission).

Conditions:
Hereditary cancer-predisposing syndrome. Also called: Neoplastic Syndromes, Hereditary; Tumor predisposition; Hereditary Cancer Syndrome; Hereditary neoplastic syndrome. Identifiers: Orphanet 140162, MedGen C0027672, MeSH D009386, MONDO:0015356.

Submission:

Ambry Genetics
Classification: Uncertain significance for Hereditary cancer-predisposing syndrome. Last evaluated: 2026-02-19. Review status: criteria provided, single submitter. Criteria: Ambry Variant Classification Scheme 2023. Collection method: clinical testing. Allele origin: germline.
Comment: The p.Y365H variant (also known as c.1093T>C), located in coding exon 9 of the SDHA gene, results from a T to C substitution at nucleotide position 1093. The tyrosine at codon 365 is replaced by histidine, an amino acid with similar properties. This amino acid position is conserved. In addition, this alteration is predicted to be tolerated by in silico analysis. Based on the available evidence, the clinical significance of this variant remains unclear.